The following is an entry in ClinVar:

NM_001354435.2(C4orf54):c.916G>T (p.Glu306Ter)

Gene: C4orf54 (chromosome 4 open reading frame 54; minus strand). Cytogenetic location: 4q23.
Variant type: single nucleotide variant.
Coding change: c.916G>T on transcript NM_001354435.2 (MANE Select); coding-DNA position 916, G replaced by T.
Protein change: p.Glu306Ter; replaces glutamic acid 306 with a stop codon.
Molecular consequence: nonsense.
Genome position (GRCh38, 1-based): chr4:99,653,733, C>A on the plus strand (G>T on the coding strand, the complement: C4orf54 is on the minus strand). VCF-style: chr4-99653733-C-A. GRCh37 (hg19) VCF-style: chr4-100574890-C-A.
Other names: short protein forms E306*.
Identifiers: ClinVar variation 2654976 (VCV002654976.24), dbSNP rs186499567, ClinGen allele CA3022720.

ClinVar aggregate classification (germline): Likely benign (1 of 4 stars; one submission).

Allele frequency attached by ClinVar (database versions not stated): 1000 Genomes Project 0.00200; 1000 Genomes Project 30x 0.00219; TOPMed 0.00262; gnomAD 0.00273; ExAC 0.00299.

Submission:

CeGaT Center for Human Genetics Tuebingen
Classification: Likely benign. Last evaluated: 2026-08-01. Review status: criteria provided, single submitter. Criteria: CeGaT Center For Human Genetics Tuebingen Variant Classification Criteria Version 2. Collection method: clinical testing. Allele origin: germline. Affected: yes. Observed: 3 variant alleles.
Comment: C4orf54: BS2